The following is an entry in ClinVar:

ClinVar aggregate classification (germline): Likely pathogenic. Review status: criteria provided, multiple submitters, no conflicts (2 of 4 stars). 4 submissions from 4 submitters: Likely pathogenic (3). 1 of the submissions does not count toward it. Last evaluated 2025-04-16.

Conditions:
Retinal dystrophy. Also called: Inherited retinal dystrophy. Identifiers: Orphanet 71862, MedGen C0854723, MeSH D058499, MONDO:0019118, HP:0000556.
Saldino-Mainzer syndrome (SRTD9). Also called: SHORT-RIB THORACIC DYSPLASIA 9 WITHOUT POLYDACTYLY; short-rib thoracic dysplasia 9 with or without polydactyly; CONORENAL SYNDROME; Renal dysplasia, retinal pigmentary dystrophy, cerebellar ataxia and skeletal dysplasia. Identifiers: Orphanet 140969, MedGen C1849437, MONDO:0009964, OMIM 266920.
Retinitis pigmentosa 80 (RP80). Identifiers: MedGen C4540439, MONDO:0054708, OMIM 617781.
IFT140-related disorder. Also called: IFT140-related condition.

Allele frequency attached by ClinVar (database versions not stated): gnomAD exomes below 0.00001.

Submissions (4):

Labcorp Genetics (formerly Invitae), Labcorp
Classification: Likely pathogenic for Saldino-Mainzer syndrome. Last evaluated: 2025-04-16. Review status: criteria provided, single submitter. Criteria: Invitae Variant Classification Sherloc (09022015). Collection method: clinical testing. Allele origin: germline.
Comment: This sequence change affects a splice site in intron 13 of the IFT140 gene. It is expected to disrupt RNA splicing. Variants that disrupt the donor or acceptor splice site typically lead to a loss of protein function (PMID: 16199547), and loss-of-function variants in IFT140 are known to be pathogenic (PMID: 22503633, 23418020, 24009529, 26216056). This variant is present in population databases (no rsID available, gnomAD 0.0009%). This variant has not been reported in the literature in individuals affected with IFT140-related conditions. ClinVar contains an entry for this variant (Variation ID: 3016510). Algorithms developed to predict the effect of sequence changes on RNA splicing suggest that this variant may disrupt the consensus splice site. In summary, the currently available evidence indicates that the variant is pathogenic, but additional data are needed to prove that conclusively. Therefore, this variant has been classified as Likely Pathogenic.

Fulgent Genetics
Classification: Likely pathogenic for Saldino-Mainzer syndrome; Retinitis pigmentosa 80. Last evaluated: 2024-04-05. Review status: criteria provided, single submitter. Criteria: ACMG Guidelines, 2015. Collection method: clinical testing. Allele origin: germline.

Dept Of Ophthalmology, Nagoya University
Classification: Likely pathogenic for Retinal dystrophy. Last evaluated: 2023-10-01. Review status: criteria provided, single submitter. Criteria: Submitter's publication. Collection method: research. Allele origin: germline. Affected: yes.

PreventionGenetics, part of Exact Sciences
Classification: Likely pathogenic for IFT140-related condition. Last evaluated: 2024-06-24. Review status: no assertion criteria provided. Collection method: clinical testing. Allele origin: germline. Not counted in ClinVar's aggregate classification.
Comment: The IFT140 c.1525-2_1525-1delAG variant is predicted to result in a deletion affecting a canonical splice site. To our knowledge, this variant has not been reported in the literature in association with disease This variant is reported in 0.00089% of alleles in individuals of European (Non-Finnish) descent in gnomAD. Monoallelic IFT140 loss-of-function (LoF) variants have been reported to cause the autosomal dominant polycystic kidney-spectrum phenotype (Senum et al. 2022. PubMed ID: 34890546). In the Senum et al. study, a different variant at the same splicing acceptor site (c.1525-1G>A) was reported to be likely pathogenic. Taken together, the c.1525-2_1525-1del variant in this patient is interpreted as likely pathogenic.

Literature cited by the submitters: PubMed 16199547 (cited by Labcorp Genetics (formerly Invitae), Labcorp); PubMed 22503633 (cited by Labcorp Genetics (formerly Invitae), Labcorp); PubMed 23418020 (cited by Labcorp Genetics (formerly Invitae), Labcorp); PubMed 24009529 (cited by Labcorp Genetics (formerly Invitae), Labcorp); PubMed 26216056 (cited by Labcorp Genetics (formerly Invitae), Labcorp).

NM_014714.4(IFT140):c.1525-2_1525-1del

Gene: IFT140 (intraflagellar transport 140; minus strand). Cytogenetic location: 16p13.3.
Variant type: Deletion.
Coding change: c.1525-2_1525-1del on transcript NM_014714.4 (MANE Select); the canonical splice acceptor site of the intron before coding-DNA position 1525, 2 bases deleted (AG; older notation c.1525-2_1525-1delAG).
Molecular consequence: splice acceptor variant.
Genome position (GRCh38, 1-based): chr16:1,571,535-1,571,536, CT deleted on the plus strand (AG on the coding strand, the reverse complement: IFT140 is on the minus strand). VCF-style (leftmost placement, unchanged base first): chr16-1571534-CCT-C. GRCh37 (hg19) VCF-style: chr16-1621535-CCT-C.
Other names: c.1525-2_1525-1delAG (NM_014714.4, NM_014714.3).
Identifiers: ClinVar variation 3016510 (VCV003016510.6), dbSNP rs1567386464, ClinGen allele CA620337361.